The following is an entry in ClinVar:

NM_032119.4(ADGRV1):c.11658A>G (p.Thr3886=)

Gene: ADGRV1 (adhesion G protein-coupled receptor V1; plus strand). Cytogenetic location: 5q14.3.
Variant type: single nucleotide variant.
Coding change: c.11658A>G on transcript NM_032119.4 (MANE Select); coding-DNA position 11658, A replaced by G.
Protein change: p.Thr3886=; no amino-acid change (threonine 3886 retained).
Molecular consequence: synonymous variant. On other transcripts: non-coding transcript variant (1).
Genome position (GRCh38, 1-based): chr5:90,756,531, A>G. VCF-style: chr5-90756531-A-G. GRCh37 (hg19) VCF-style: chr5-90052348-A-G.
Other names: c.11658A>G (NM_032119.3).
Identifiers: ClinVar variation 1596040 (VCV001596040.11), dbSNP rs752005020, ClinGen allele CA3341018.
Genomic context (GRCh38, chr5:90,756,531, plus strand): 5'-GGAGGAAGGATTTATTGTCACTATCACTGAGGTGAACCTGGTGAACTCTGACTTCTCTAC[A>G]GGACAGCCAAGTGTGCGGAGGCCCGGAATGGAAATAGCTGAGATAATGATAGAAGAAAAT-3'
Protein context (NP_115495.3, residues 3876-3896): EVNLVNSDFS[Thr3886=]GQPSVRRPGM

ClinVar aggregate classification (germline): Likely benign. Review status: criteria provided, multiple submitters, no conflicts (2 of 4 stars). 3 submissions from 3 submitters: Likely benign (2). 1 of the submissions does not count toward it. Last evaluated 2025-11-19.

Conditions:
ADGRV1-related disorder. Also called: ADGRV1-related disorders; ADGRV1-related condition.

Allele frequency attached by ClinVar (database versions not stated): gnomAD exomes below 0.00001 and 0.00001; ExAC 0.00001; gnomAD 0.00001 and 0.00002; TOPMed 0.00002.
gnomAD v4.1: 9 of 1,613,070 alleles (0.00056%); highest among the groups gnomAD compares: East Asian, 0.013%; no homozygotes.

Submissions (3):

Labcorp Genetics (formerly Invitae), Labcorp
Classification: Likely benign. Last evaluated: 2025-11-19. Review status: criteria provided, single submitter. Criteria: Invitae Variant Classification Sherloc (09022015). Collection method: clinical testing. Allele origin: germline.

Blueprint Genetics
Classification: Likely benign. Last evaluated: 2023-08-10. Review status: criteria provided, single submitter. Criteria: ACMG Guidelines, 2015. Collection method: clinical testing. Allele origin: germline.

PreventionGenetics, part of Exact Sciences
Classification: Likely benign for ADGRV1-related condition. Last evaluated: 2020-10-26. Review status: no assertion criteria provided. Collection method: clinical testing. Allele origin: germline. Not counted in ClinVar's aggregate classification.
Comment: This variant is classified as likely benign based on ACMG/AMP sequence variant interpretation guidelines (Richards et al. 2015 PMID: 25741868, with internal and published modifications).